The following is an entry in ClinVar:

ClinVar aggregate classification (germline): Uncertain significance (1 of 4 stars; one submission).

Conditions:
Gastrointestinal stromal tumor. Also called: Gastrointestinal stromal tumor, somatic; Gastrointestinal stroma tumor. Identifiers: Orphanet 44890, MedGen C0238198, MeSH D046152, MONDO:0011719, OMIM 606764, HP:0100723.

Submission:

Labcorp Genetics (formerly Invitae), Labcorp
Classification: Uncertain significance for Gastrointestinal stromal tumor. Last evaluated: 2023-08-11. Review status: criteria provided, single submitter. Criteria: Invitae Variant Classification Sherloc (09022015). Collection method: clinical testing. Allele origin: germline.
Comment: In summary, the available evidence is currently insufficient to determine the role of this variant in disease. Therefore, it has been classified as a Variant of Uncertain Significance. An algorithm developed to predict the effect of missense changes on protein structure and function (PolyPhen-2) suggests that this variant is likely to be tolerated. This variant has not been reported in the literature in individuals affected with PDGFRA-related conditions. This variant is not present in population databases (gnomAD no frequency). This sequence change replaces valine, which is neutral and non-polar, with leucine, which is neutral and non-polar, at codon 39 of the PDGFRA protein (p.Val39Leu).

NM_006206.6(PDGFRA):c.115G>C (p.Val39Leu)

Gene: PDGFRA (platelet derived growth factor receptor alpha; plus strand). Cytogenetic location: 4q12.
Variant type: single nucleotide variant.
Coding change: c.115G>C on transcript NM_006206.6 (MANE Select); coding-DNA position 115, G replaced by C.
Protein change: p.Val39Leu; replaces valine 39 with leucine.
Molecular consequence: missense variant.
Genome position (GRCh38, 1-based): chr4:54,261,160, G>C. VCF-style: chr4-54261160-G-C. GRCh37 (hg19) VCF-style: chr4-55127327-G-C.
Other names: c.115G>C, p.Val39Leu (NM_001347827.2, NM_001347829.2); c.190G>C, p.Val64Leu (NM_001347828.2); c.154G>C, p.Val52Leu (NM_001347830.2); short protein forms V52L, V39L, V64L.
Identifiers: ClinVar variation 2751854 (VCV002751854.3), dbSNP rs1553902356, ClinGen allele CA356888279.
Genomic context (GRCh38, chr4:54,261,160, plus strand): 5'-AGCCTAATCCTCTGCCAGCTTTCATTACCCTCTATCCTTCCAAATGAAAATGAAAAGGTT[G>C]TGCAGCTGAATTCATCCTTTTCTCTGAGATGCTTTGGGGAGAGTGAAGTGAGCTGGCAGT-3'
Protein context (NP_006197.1, residues 29-49): SILPNENEKV[Val39Leu]QLNSSFSLRC